The following is an entry in ClinVar:

ClinVar aggregate classification (germline): Uncertain significance. Review status: criteria provided, multiple submitters, no conflicts (2 of 4 stars). 3 submissions from 3 submitters: Uncertain significance (3). Last evaluated 2024-11-25.

Conditions:
Early-infantile DEE. Also called: Early infantile epileptic encephalopathy; Ohtahara syndrome; Early infantile epileptic encephalopathy with suppression bursts. Identifiers: Orphanet 1934, MedGen C0393706, MONDO:0800491.
Inborn genetic diseases. Identifiers: MedGen C0950123, MeSH D030342.

Allele frequency attached by ClinVar (database versions not stated): gnomAD exomes below 0.00001.
gnomAD v4.1: 1 of 1,613,516 alleles (0.000062%); highest among the groups gnomAD compares: African/African-American, 0.0013%; no homozygotes.

Submissions (3):

GeneDx
Classification: Uncertain significance. Last evaluated: 2024-11-25. Review status: criteria provided, single submitter. Criteria: GeneDx Variant Classification Process June 2021. Collection method: clinical testing. Allele origin: germline. Affected: yes.
Comment: Not observed at significant frequency in large population cohorts (gnomAD); In silico analysis supports that this missense variant has a deleterious effect on protein structure/function; Has not been previously published as pathogenic or benign to our knowledge

Labcorp Genetics (formerly Invitae), Labcorp
Classification: Uncertain significance for Early-infantile DEE. Last evaluated: 2022-03-19. Review status: criteria provided, single submitter. Criteria: Invitae Variant Classification Sherloc (09022015). Collection method: clinical testing. Allele origin: germline.
Comment: This sequence change replaces serine, which is neutral and polar, with phenylalanine, which is neutral and non-polar, at codon 245 of the HCN1 protein (p.Ser245Phe). This variant is not present in population databases (gnomAD no frequency). This variant has not been reported in the literature in individuals affected with HCN1-related conditions. ClinVar contains an entry for this variant (Variation ID: 590181). Algorithms developed to predict the effect of missense changes on protein structure and function are either unavailable or do not agree on the potential impact of this missense change (SIFT: "Deleterious"; PolyPhen-2: "Probably Damaging"; Align-GVGD: "Class C15"). In summary, the available evidence is currently insufficient to determine the role of this variant in disease. Therefore, it has been classified as a Variant of Uncertain Significance.

Ambry Genetics
Classification: Uncertain significance for Inborn genetic diseases. Last evaluated: 2017-05-30. Review status: criteria provided, single submitter. Criteria: Ambry Variant Classification Scheme 2023. Collection method: clinical testing. Allele origin: germline.
Comment: The p.S245F variant (also known as c.734C>T), located in coding exon 2 of the HCN1 gene, results from a C to T substitution at nucleotide position 734. The serine at codon 245 is replaced by phenylalanine, an amino acid with highly dissimilar properties. This amino acid position is highly conserved in available vertebrate species. In addition, this alteration is predicted to be deleterious by in silico analysis. Since supporting evidence is limited at this time, the clinical significance of this alteration remains unclear.

NM_021072.4(HCN1):c.734C>T (p.Ser245Phe)

Gene: HCN1 (hyperpolarization activated cyclic nucleotide gated potassium channel 1; minus strand). Cytogenetic location: 5p12.
Variant type: single nucleotide variant.
Coding change: c.734C>T on transcript NM_021072.4 (MANE Select); coding-DNA position 734, C replaced by T.
Protein change: p.Ser245Phe; replaces serine 245 with phenylalanine.
Molecular consequence: missense variant.
Genome position (GRCh38, 1-based): chr5:45,645,300, G>A on the plus strand (C>T on the coding strand, the complement: HCN1 is on the minus strand). VCF-style: chr5-45645300-G-A. GRCh37 (hg19) VCF-style: chr5-45645402-G-A.
Other names: short protein forms S245F.
Identifiers: ClinVar variation 590181 (VCV000590181.54), dbSNP rs1561230479, ClinGen allele CA359707229.